The following is an entry in ClinVar:

NM_001267550.2(TTN):c.55732+4A>G

Genes: TTN-AS1 (TTN antisense RNA 1; plus strand), TTN (titin; minus strand). Cytogenetic location: 2q31.2.
Variant type: single nucleotide variant.
Coding change: c.55732+4A>G on transcript NM_001267550.2 (MANE Select); 4 bases into the intron after coding-DNA position 55732, A replaced by G.
Molecular consequence: intron variant.
Genome position (GRCh38, 1-based): chr2:178,601,261, T>C on the plus strand (A>G on the coding strand, the complement: TTN is on the minus strand). VCF-style: chr2-178601261-T-C. GRCh37 (hg19) VCF-style: chr2-179465988-T-C.
Other names: c.28537+4A>G (NM_003319.4); c.29113+4A>G (NM_133437.4); c.28912+4A>G (NM_133432.3); c.48028+4A>G (NM_133378.4); c.50809+4A>G (NM_001256850.1).
Identifiers: ClinVar variation 958016 (VCV000958016.10), dbSNP rs2053372615, ClinGen allele CA1139655667.

ClinVar aggregate classification (germline): Uncertain significance (1 of 4 stars; one submission).

Conditions:
Dilated cardiomyopathy 1G (CMD1G). Identifiers: Orphanet 154, MedGen C1858763, MONDO:0011400, OMIM 604145.
Autosomal recessive limb-girdle muscular dystrophy type 2J (LGMDR10). Also called: Limb-girdle muscular dystrophy, type 2J; MUSCULAR DYSTROPHY, LIMB-GIRDLE, AUTOSOMAL RECESSIVE 10. Identifiers: Orphanet 140922, MedGen C1837342, MONDO:0012127, OMIM 608807.

Allele frequency attached by ClinVar (database versions not stated): gnomAD exomes below 0.00001.
gnomAD v4.1: 1 of 1,533,736 alleles (0.000065%); highest among the groups gnomAD compares: East Asian, 0.0023%; no homozygotes.

Submission:

Labcorp Genetics (formerly Invitae), Labcorp
Classification: Uncertain significance for Dilated cardiomyopathy 1G; Autosomal recessive limb-girdle muscular dystrophy type 2J. Last evaluated: 2022-03-23. Review status: criteria provided, single submitter. Criteria: Invitae Variant Classification Sherloc (09022015). Collection method: clinical testing. Allele origin: germline.
Comment: In summary, the available evidence is currently insufficient to determine the role of this variant in disease. Therefore, it has been classified as a Variant of Uncertain Significance. This variant is located in the A band of TTN (PMID: 25589632). Variants in this region may be relevant for cardiac or neuromuscular disorders (PMID: 25589632, 23975875). Variants that disrupt the consensus splice site are a relatively common cause of aberrant splicing (PMID: 17576681, 9536098). Algorithms developed to predict the effect of sequence changes on RNA splicing suggest that this variant is not likely to affect RNA splicing. ClinVar contains an entry for this variant (Variation ID: 958016). This variant has not been reported in the literature in individuals affected with TTN-related conditions. This variant is not present in population databases (gnomAD no frequency). This sequence change falls in intron 287 of the TTN gene. It does not directly change the encoded amino acid sequence of the TTN protein. It affects a nucleotide within the consensus splice site.

Literature cited by the submitters: PubMed 25589632; PubMed 23975875; PubMed 17576681; PubMed 9536098.